The following is an entry in ClinVar:

ClinVar aggregate classification (germline): Likely benign. Review status: criteria provided, single submitter (1 of 4 stars). 2 submissions from 2 submitters: Likely benign (1). 1 of the submissions does not count toward it. Last evaluated 2023-06-27.

Conditions:
PLXNA2-related disorder. Also called: PLXNA2-related condition.

Allele frequency attached by ClinVar (database versions not stated): ESP Exome Variant Server 0.00008; gnomAD 0.00021; TOPMed 0.00029; ExAC 0.00007.
gnomAD v4.1: 63 of 1,614,002 alleles (0.0039%); highest among the groups gnomAD compares: African/African-American, 0.081%; no homozygotes.

Submissions (2):

Labcorp Genetics (formerly Invitae), Labcorp
Classification: Likely benign. Last evaluated: 2023-06-27. Review status: criteria provided, single submitter. Criteria: Invitae Variant Classification Sherloc (09022015). Collection method: clinical testing. Allele origin: germline.

PreventionGenetics, part of Exact Sciences
Classification: Likely benign for PLXNA2-related condition. Last evaluated: 2021-11-12. Review status: no assertion criteria provided. Collection method: clinical testing. Allele origin: germline. Not counted in ClinVar's aggregate classification.
Comment: This variant is classified as likely benign based on ACMG/AMP sequence variant interpretation guidelines (Richards et al. 2015 PMID: 25741868, with internal and published modifications).

NM_025179.4(PLXNA2):c.3975G>A (p.Leu1325=)

Gene: PLXNA2 (plexin A2; minus strand). Cytogenetic location: 1q32.2.
Variant type: single nucleotide variant.
Coding change: c.3975G>A on transcript NM_025179.4 (MANE Select); coding-DNA position 3975, G replaced by A.
Protein change: p.Leu1325=; no amino-acid change (leucine 1325 retained).
Molecular consequence: synonymous variant.
Genome position (GRCh38, 1-based): chr1:208,043,103, C>T on the plus strand (G>A on the coding strand, the complement: PLXNA2 is on the minus strand). VCF-style: chr1-208043103-C-T. GRCh37 (hg19) VCF-style: chr1-208216448-C-T.
Other names: c.3975G>A (NM_025179.3).
Identifiers: ClinVar variation 2168465 (VCV002168465.6), dbSNP rs138624115, ClinGen allele CA1373018.